The following is an entry in ClinVar:

ClinVar aggregate classification (germline): Uncertain significance (1 of 4 stars; one submission).

Conditions:
Inborn genetic diseases. Identifiers: MedGen C0950123, MeSH D030342.

Submission:

Ambry Genetics
Classification: Uncertain significance for Inborn genetic diseases. Last evaluated: 2025-06-22. Review status: criteria provided, single submitter. Criteria: Ambry Variant Classification Scheme 2023. Collection method: clinical testing. Allele origin: germline.
Comment: The p.M164T variant (also known as c.491T>C), located in coding exon 1 of the SAMD9L gene, results from a T to C substitution at nucleotide position 491. The methionine at codon 164 is replaced by threonine, an amino acid with similar properties. This amino acid position is conserved. In addition, this alteration is predicted to be tolerated by in silico analysis. Based on the available evidence, the clinical significance of this variant remains unclear.

NM_152703.5(SAMD9L):c.491T>C (p.Met164Thr)

Gene: SAMD9L (sterile alpha motif domain containing 9 like; minus strand). Cytogenetic location: 7q21.2.
Variant type: single nucleotide variant.
Coding change: c.491T>C on transcript NM_152703.5 (MANE Select); coding-DNA position 491, T replaced by C.
Protein change: p.Met164Thr; replaces methionine 164 with threonine.
Molecular consequence: missense variant.
Genome position (GRCh38, 1-based): chr7:93,135,481, A>G on the plus strand (T>C on the coding strand, the complement: SAMD9L is on the minus strand). VCF-style: chr7-93135481-A-G. GRCh37 (hg19) VCF-style: chr7-92764794-A-G.
Other names: c.491T>C, p.Met164Thr (NM_001303496.3, NM_001303497.3, NM_001303498.3 and 5 more transcripts); short protein forms M164T.
Identifiers: ClinVar variation 4159260 (VCV004159260.1).
Genomic context (GRCh38, chr7:93,135,481, plus strand): 5'-TGTAGAGTATAATGTTCTATGTAGCGATGGCTGTCATGGAACTGATCAAAAGGATATGGC[A>G]TACAAGTCAATTGTTCAGGTTTTAGCTTACCCTTTTTCTTGTGTTTAGCATTTGCTACTT-3'
Protein context (NP_689916.2, residues 154-174): GKLKPEQLTC[Met164Thr]PYPFDQFHDS